The following is an entry in ClinVar:

NM_000038.6(APC):c.6169A>C (p.Lys2057Gln)

Gene: APC (APC regulator of Wnt signaling pathway; plus strand). Cytogenetic location: 5q22.2.
Variant type: single nucleotide variant.
Coding change: c.6169A>C on transcript NM_000038.6 (MANE Select); coding-DNA position 6169, A replaced by C.
Protein change: p.Lys2057Gln; replaces lysine 2057 with glutamine.
Molecular consequence: missense variant.
Genome position (GRCh38, 1-based): chr5:112,841,763, A>C. VCF-style: chr5-112841763-A-C. GRCh37 (hg19) VCF-style: chr5-112177460-A-C.
Other names: c.6169A>C, p.Lys2057Gln (NM_001127510.3, NM_001354895.2); c.6115A>C, p.Lys2039Gln (NM_001127511.3); c.6223A>C, p.Lys2075Gln (NM_001354896.2); c.6199A>C, p.Lys2067Gln (NM_001354897.2); c.6094A>C, p.Lys2032Gln (NM_001354898.2); c.6085A>C, p.Lys2029Gln (NM_001354899.2); c.6046A>C, p.Lys2016Gln (NM_001354900.2); c.5992A>C, p.Lys1998Gln (NM_001354901.2); and 5 more; short protein forms K2039Q, K2057Q, K1956Q, K2029Q, K2032Q, K1998Q, K2016Q, K2067Q.
Identifiers: ClinVar variation 631374 (VCV000631374.13), dbSNP rs1561605597, ClinGen allele CA16034839.
Genomic context (GRCh38, chr5:112,841,763, plus strand): 5'-GACCTGTTGCAGGAATGTATAAGCTCCGCAATGCCAAAAAAGAAAAAGCCTTCAAGACTC[A>C]AGGGTGATAATGAAAAACATAGTCCCAGAAATATGGGTGGCATATTAGGTGAAGATCTGA-3'
Protein context (NP_000029.2, residues 2047-2067): MPKKKKPSRL[Lys2057Gln]GDNEKHSPRN

ClinVar aggregate classification (germline): Uncertain significance. Review status: criteria provided, multiple submitters, no conflicts (2 of 4 stars). 3 submissions from 3 submitters: Uncertain significance (3). Last evaluated 2024-10-17.

Conditions:
Hereditary cancer-predisposing syndrome. Also called: Tumor predisposition; Neoplastic Syndromes, Hereditary; Hereditary neoplastic syndrome; Hereditary Cancer Syndrome. Identifiers: Orphanet 140162, MedGen C0027672, MeSH D009386, MONDO:0015356.
Familial adenomatous polyposis 1 (FAP1). Also called: POLYPOSIS, ADENOMATOUS INTESTINAL; FAMILIAL ADENOMATOUS POLYPOSIS 1, ATTENUATED. Identifiers: MedGen C2713442, MONDO:0021056, OMIM 175100. Disease mechanism: loss of function.

Allele frequency attached by ClinVar (database versions not stated): gnomAD exomes below 0.00001.
gnomAD v4.1: 2 of 1,614,098 alleles (0.00012%); highest among the groups gnomAD compares: Non-Finnish European, 0.000085%; no homozygotes.

Submissions (3):

Labcorp Genetics (formerly Invitae), Labcorp
Classification: Uncertain significance for Familial adenomatous polyposis 1. Last evaluated: 2024-10-17. Review status: criteria provided, single submitter. Criteria: Invitae Variant Classification Sherloc (09022015). Collection method: clinical testing. Allele origin: germline.
Comment: This sequence change replaces lysine, which is basic and polar, with glutamine, which is neutral and polar, at codon 2057 of the APC protein (p.Lys2057Gln). This variant is not present in population databases (gnomAD no frequency). This variant has not been reported in the literature in individuals affected with APC-related conditions. ClinVar contains an entry for this variant (Variation ID: 631374). Invitae Evidence Modeling of protein sequence and biophysical properties (such as structural, functional, and spatial information, amino acid conservation, physicochemical variation, residue mobility, and thermodynamic stability) indicates that this missense variant is not expected to disrupt APC protein function with a negative predictive value of 95%. In summary, the available evidence is currently insufficient to determine the role of this variant in disease. Therefore, it has been classified as a Variant of Uncertain Significance.

Ambry Genetics
Classification: Uncertain significance for Hereditary cancer-predisposing syndrome. Last evaluated: 2024-03-28. Review status: criteria provided, single submitter. Criteria: Ambry Variant Classification Scheme 2023. Collection method: clinical testing. Allele origin: germline.
Comment: The p.K2057Q variant (also known as c.6169A>C), located in coding exon 15 of the APC gene, results from an A to C substitution at nucleotide position 6169. The lysine at codon 2057 is replaced by glutamine, an amino acid with similar properties. This amino acid position is highly conserved in available vertebrate species. In addition, in silico predictors for this gene do not accurately predict pathogenicity. Since supporting evidence is limited at this time, the clinical significance of this alteration remains unclear.

Color Diagnostics, LLC DBA Color Health
Classification: Uncertain significance for Hereditary cancer-predisposing syndrome. Last evaluated: 2019-02-20. Review status: criteria provided, single submitter. Criteria: ACMG Guidelines, 2015. Collection method: clinical testing. Allele origin: germline.